The following is an entry in ClinVar:

NM_001037333.3(CYFIP2):c.634A>G (p.Met212Val)

Gene: CYFIP2 (cytoplasmic FMR1 interacting protein 2; plus strand). Cytogenetic location: 5q33.3.
Variant type: single nucleotide variant.
Coding change: c.634A>G on transcript NM_001037333.3 (MANE Select); coding-DNA position 634, A replaced by G.
Protein change: p.Met212Val; replaces methionine 212 with valine.
Molecular consequence: missense variant.
Genome position (GRCh38, 1-based): chr5:157,302,858, A>G. VCF-style: chr5-157302858-A-G. GRCh37 (hg19) VCF-style: chr5-156729866-A-G.
Other names: c.556A>G, p.Met186Val (NM_001291721.2); c.634A>G, p.Met212Val (NM_001291722.2, NM_014376.4); short protein forms M186V, M212V.
Identifiers: ClinVar variation 2785392 (VCV002785392.3), dbSNP rs2532314834, ClinGen allele CA361967003.

ClinVar aggregate classification (germline): Uncertain significance (1 of 4 stars; one submission).

Allele frequency attached by ClinVar (database versions not stated): gnomAD exomes below 0.00001.

Submission:

Labcorp Genetics (formerly Invitae), Labcorp
Classification: Uncertain significance. Last evaluated: 2023-02-18. Review status: criteria provided, single submitter. Criteria: Invitae Variant Classification Sherloc (09022015). Collection method: clinical testing. Allele origin: germline.
Comment: In summary, the available evidence is currently insufficient to determine the role of this variant in disease. Therefore, it has been classified as a Variant of Uncertain Significance. Experimental studies and prediction algorithms are not available or were not evaluated, and the functional significance of this variant is currently unknown. This variant has not been reported in the literature in individuals affected with CYFIP2-related conditions. This variant is not present in population databases (gnomAD no frequency). This sequence change replaces methionine, which is neutral and non-polar, with valine, which is neutral and non-polar, at codon 212 of the CYFIP2 protein (p.Met212Val).